The following is an entry in ClinVar:

NM_001349253.2(SCN11A):c.4276A>G (p.Thr1426Ala)

Gene: SCN11A (sodium voltage-gated channel alpha subunit 11; minus strand). Cytogenetic location: 3p22.2.
Variant type: single nucleotide variant.
Coding change: c.4276A>G on transcript NM_001349253.2 (MANE Select); coding-DNA position 4276, A replaced by G.
Protein change: p.Thr1426Ala; replaces threonine 1426 with alanine.
Molecular consequence: missense variant.
Genome position (GRCh38, 1-based): chr3:38,850,532, T>C on the plus strand (A>G on the coding strand, the complement: SCN11A is on the minus strand). VCF-style: chr3-38850532-T-C. GRCh37 (hg19) VCF-style: chr3-38892023-T-C.
Other names: c.4276A>G, p.Thr1426Ala (NM_014139.3); short protein forms T1426A.
Identifiers: ClinVar variation 2925858 (VCV002925858.3), dbSNP rs1322396428, ClinGen allele CA352165331.

ClinVar aggregate classification (germline): Uncertain significance (1 of 4 stars; one submission).

Conditions:
Familial episodic pain syndrome with predominantly lower limb involvement. Also called: Episodic pain syndrome, familial, 3. Identifiers: Orphanet 391384, Orphanet 391392, MedGen C3809899, MONDO:0014247, OMIM 615552.
Hereditary sensory and autonomic neuropathy type 7. Also called: Neuropathy, hereditary sensory and autonomic, type VII; HSAN VII. Identifiers: Orphanet 391397, MedGen C3809882, MONDO:0014244, OMIM 615548.

Allele frequency attached by ClinVar (database versions not stated): gnomAD exomes 0.00001.
gnomAD v4.1: 3 of 1,613,922 alleles (0.00019%); highest among the groups gnomAD compares: Admixed American, 0.0017%; no homozygotes.

Submission:

Labcorp Genetics (formerly Invitae), Labcorp
Classification: Uncertain significance for Familial episodic pain syndrome with predominantly lower limb involvement; Hereditary sensory and autonomic neuropathy type 7. Last evaluated: 2023-12-04. Review status: criteria provided, single submitter. Criteria: Invitae Variant Classification Sherloc (09022015). Collection method: clinical testing. Allele origin: germline.
Comment: This sequence change replaces threonine, which is neutral and polar, with alanine, which is neutral and non-polar, at codon 1426 of the SCN11A protein (p.Thr1426Ala). This variant is present in population databases (no rsID available, gnomAD 0.003%). This variant has not been reported in the literature in individuals affected with SCN11A-related conditions. Advanced modeling of protein sequence and biophysical properties (such as structural, functional, and spatial information, amino acid conservation, physicochemical variation, residue mobility, and thermodynamic stability) performed at Invitae indicates that this missense variant is not expected to disrupt SCN11A protein function with a negative predictive value of 80%. In summary, the available evidence is currently insufficient to determine the role of this variant in disease. Therefore, it has been classified as a Variant of Uncertain Significance.